The following is an entry in ClinVar:

ClinVar aggregate classification (germline): Uncertain significance (1 of 4 stars; one submission).

Conditions:
Ataxia-telangiectasia syndrome (AT). Also called: Ataxia-telangiectasia; Ataxia-telangiectasia, complementation group D; Ataxia telangiectasia (A-T); LOUIS-BAR SYNDROME; AT, COMPLEMENTATION GROUP C; ATAXIA-TELANGIECTASIA, COMPLEMENTATION GROUP A. Identifiers: Orphanet 100, MedGen C0004135, MONDO:0008840, OMIM 208900.

Submission:

Labcorp Genetics (formerly Invitae), Labcorp
Classification: Uncertain significance for Ataxia-telangiectasia syndrome. Last evaluated: 2025-11-13. Review status: criteria provided, single submitter. Criteria: Invitae Variant Classification Sherloc (09022015). Collection method: clinical testing. Allele origin: germline.
Comment: This sequence change replaces lysine, which is basic and polar, with glutamic acid, which is acidic and polar, at codon 1728 of the ATM protein (p.Lys1728Glu). This variant is not present in population databases (gnomAD no frequency). This variant has not been reported in the literature in individuals affected with ATM-related conditions. Invitae Evidence Modeling of protein sequence and biophysical properties (such as structural, functional, and spatial information, amino acid conservation, physicochemical variation, residue mobility, and thermodynamic stability) indicates that this missense variant is not expected to disrupt ATM protein function with a negative predictive value of 95%. In summary, the available evidence is currently insufficient to determine the role of this variant in disease. Therefore, it has been classified as a Variant of Uncertain Significance.

NM_000051.4(ATM):c.5182A>G (p.Lys1728Glu)

Gene: ATM (ATM serine/threonine kinase; plus strand). Cytogenetic location: 11q22.3.
Variant type: single nucleotide variant.
Coding change: c.5182A>G on transcript NM_000051.4 (MANE Select); coding-DNA position 5182, A replaced by G.
Protein change: p.Lys1728Glu; replaces lysine 1728 with glutamic acid.
Molecular consequence: missense variant.
Genome position (GRCh38, 1-based): chr11:108,301,652, A>G. VCF-style: chr11-108301652-A-G. GRCh37 (hg19) VCF-style: chr11-108172379-A-G.
Other names: c.5182A>G, p.Lys1728Glu (NM_001351834.2); short protein forms K1728E.
Identifiers: ClinVar variation 4778442 (VCV004778442.1).